The following is an entry in ClinVar:

ClinVar aggregate classification (germline): Uncertain significance (1 of 4 stars; one submission).

Submission:

Labcorp Genetics (formerly Invitae), Labcorp
Classification: Uncertain significance. Last evaluated: 2025-11-13. Review status: criteria provided, single submitter. Criteria: Invitae Variant Classification Sherloc (09022015). Collection method: clinical testing. Allele origin: germline.
Comment: This sequence change replaces aspartic acid, which is acidic and polar, with glycine, which is neutral and non-polar, at codon 69 of the KIF2A protein (p.Asp69Gly). This variant is not present in population databases (gnomAD no frequency). This variant has not been reported in the literature in individuals affected with KIF2A-related conditions. ClinVar contains an entry for this variant (Variation ID: 2965389). An algorithm developed to predict the effect of missense changes on protein structure and function (PolyPhen-2) suggests that this variant is likely to be tolerated. In summary, the available evidence is currently insufficient to determine the role of this variant in disease. Therefore, it has been classified as a Variant of Uncertain Significance.

NM_001098511.3(KIF2A):c.206A>G (p.Asp69Gly)

Gene: KIF2A (kinesin family member 2A; plus strand). Cytogenetic location: 5q12.1.
Variant type: single nucleotide variant.
Coding change: c.206A>G on transcript NM_001098511.3 (MANE Select); coding-DNA position 206, A replaced by G.
Protein change: p.Asp69Gly; replaces aspartic acid 69 with glycine.
Molecular consequence: missense variant.
Genome position (GRCh38, 1-based): chr5:62,348,094, A>G. VCF-style: chr5-62348094-A-G. GRCh37 (hg19) VCF-style: chr5-61643921-A-G.
Other names: c.125A>G, p.Asp42Gly (NM_001243952.2); c.206A>G, p.Asp69Gly (NM_001243953.2, NM_004520.5); short protein forms D42G, D69G.
Identifiers: ClinVar variation 2965389 (VCV002965389.3), dbSNP rs749857734, ClinGen allele CA359948489.
Genomic context (GRCh38, chr5:62,348,094, plus strand): 5'-TGTGTTGTGAACAGATTGACCTGGAGAGCATCTTTTCACTTAACCCTGACCTTGTTCCTG[A>G]TGAAGAAATTGAACCCAGTCCAGAAACACCTCCACCTCCAGCATCCTCAGCCAAAGTAAA-3'
Protein context (NP_001091981.1, residues 59-79): IFSLNPDLVP[Asp69Gly]EEIEPSPETP